The following is an entry in ClinVar:

NM_016219.5(MAN1B1):c.1071T>A (p.Asp357Glu)

Gene: MAN1B1 (mannosidase alpha class 1B member 1; plus strand). Cytogenetic location: 9q34.3.
Variant type: single nucleotide variant.
Coding change: c.1071T>A on transcript NM_016219.5 (MANE Select); coding-DNA position 1071, T replaced by A.
Protein change: p.Asp357Glu; replaces aspartic acid 357 with glutamic acid.
Molecular consequence: missense variant. On other transcripts: non-coding transcript variant (2).
Genome position (GRCh38, 1-based): chr9:137,101,489, T>A. VCF-style: chr9-137101489-T-A. GRCh37 (hg19) VCF-style: chr9-139995941-T-A.
Other names: c.963T>A, p.Asp321Glu (NM_007230.1); short protein forms D357E, D321E.
Identifiers: ClinVar variation 2146669 (VCV002146669.4), dbSNP rs756803212, ClinGen allele CA375650353.

ClinVar aggregate classification (germline): Uncertain significance (1 of 4 stars; one submission).

Conditions:
Rafiq syndrome (RAFQS). Identifiers: Orphanet 88616, MedGen C3280127, MONDO:0013624, OMIM 614202.

Submission:

Labcorp Genetics (formerly Invitae), Labcorp
Classification: Uncertain significance for Rafiq syndrome. Last evaluated: 2022-01-03. Review status: criteria provided, single submitter. Criteria: Invitae Variant Classification Sherloc (09022015). Collection method: clinical testing. Allele origin: germline.
Comment: This variant has not been reported in the literature in individuals affected with MAN1B1-related conditions. Algorithms developed to predict the effect of missense changes on protein structure and function (SIFT, PolyPhen-2, Align-GVGD) all suggest that this variant is likely to be tolerated. In summary, the available evidence is currently insufficient to determine the role of this variant in disease. Therefore, it has been classified as a Variant of Uncertain Significance. This sequence change replaces aspartic acid, which is acidic and polar, with glutamic acid, which is acidic and polar, at codon 357 of the MAN1B1 protein (p.Asp357Glu). This variant is not present in population databases (gnomAD no frequency).